The following is an entry in ClinVar:

ClinVar aggregate classification (germline): Uncertain significance (1 of 4 stars; one submission).

Conditions:
Inborn genetic diseases. Identifiers: MedGen C0950123, MeSH D030342.

Submission:

Ambry Genetics
Classification: Uncertain significance for Inborn genetic diseases. Last evaluated: 2022-07-11. Review status: criteria provided, single submitter. Criteria: Ambry Variant Classification Scheme 2023. Collection method: clinical testing. Allele origin: germline.
Comment: The p.V86A variant (also known as c.257T>C), located in coding exon 3 of the ATR gene, results from a T to C substitution at nucleotide position 257. The valine at codon 86 is replaced by alanine, an amino acid with similar properties. This amino acid position is conserved. In addition, this alteration is predicted to be tolerated by in silico analysis. Since supporting evidence is limited at this time, the clinical significance of this alteration remains unclear.

NM_001184.4(ATR):c.257T>C (p.Val86Ala)

Gene: ATR (ATR checkpoint kinase; minus strand). Cytogenetic location: 3q23.
Variant type: single nucleotide variant.
Coding change: c.257T>C on transcript NM_001184.4 (MANE Select); coding-DNA position 257, T replaced by C.
Protein change: p.Val86Ala; replaces valine 86 with alanine.
Molecular consequence: missense variant.
Genome position (GRCh38, 1-based): chr3:142,566,156, A>G on the plus strand (T>C on the coding strand, the complement: ATR is on the minus strand). VCF-style: chr3-142566156-A-G. GRCh37 (hg19) VCF-style: chr3-142284998-A-G.
Other names: c.257T>C, p.Val86Ala (NM_001354579.2); short protein forms V86A.
Identifiers: ClinVar variation 1793364 (VCV001793364.2), dbSNP rs2108494049, ClinGen allele CA354828375.